The following is an entry in ClinVar:

NM_203387.3(RNH1):c.411C>G (p.Leu137=)

Gene: RNH1 (ribonuclease/angiogenin inhibitor 1; minus strand). Cytogenetic location: 11p15.5.
Variant type: single nucleotide variant.
Coding change: c.411C>G on transcript NM_203387.3 (MANE Select); coding-DNA position 411, C replaced by G.
Protein change: p.Leu137=; no amino-acid change (leucine 137 retained).
Molecular consequence: synonymous variant.
Genome position (GRCh38, 1-based): chr11:499,861, G>C on the plus strand (C>G on the coding strand, the complement: RNH1 is on the minus strand). VCF-style: chr11-499861-G-C. GRCh37 (hg19) VCF-style: chr11-499861-G-C.
Other names: c.411C>G, p.Leu137= (NM_002939.4, NM_203383.2, NM_203384.2 and 4 more transcripts).
Identifiers: ClinVar variation 4875510 (VCV004875510.2).
Genomic context (GRCh38, chr11:499,861, plus strand): 5'-TGGGCCCTGGGGCAGGACACAAACTCACTGCAGCTTTTCCAGGCGGCACTGGGGGTCCAG[G>C]AGTCCTTCGCAGAGCAGCTGCAGGCCCGCATCCCCCAAGAGGTTGTCGCTGAGGTGCAGC-3'
Protein context (NP_976321.1, residues 127-147): DAGLQLLCEG[Leu137=]LDPQCRLEKL

ClinVar aggregate classification (germline): Likely benign (1 of 4 stars; one submission).

gnomAD v4.1: 1 of 1,612,182 alleles (0.000062%); highest among the groups gnomAD compares: Admixed American, 0.0017%; no homozygotes.

Submission:

CeGaT Center for Human Genetics Tuebingen
Classification: Likely benign. Last evaluated: 2026-04-01. Review status: criteria provided, single submitter. Criteria: CeGaT Center For Human Genetics Tuebingen Variant Classification Criteria Version 2. Collection method: clinical testing. Allele origin: germline. Affected: yes. Observed: 1 variant allele.
Comment: RNH1: BP4, BP7